The following is an entry in ClinVar:

NM_003119.4(SPG7):c.473_474del (p.Leu158fs)

Gene: SPG7 (SPG7 matrix AAA peptidase subunit, paraplegin; plus strand). Cytogenetic location: 16q24.3.
Variant type: Microsatellite.
Coding change: c.473_474del on transcript NM_003119.4 (MANE Select); coding-DNA positions 473 to 474, 2 bases deleted (TC; older notation c.473_474delTC).
Protein change: p.Leu158fs; shifts the reading frame from leucine 158.
Molecular consequence: frameshift variant.
Genome position (GRCh38, 1-based): chr16:89,524,102-89,524,103, TC deleted; deleting any 2 consecutive bases within chr16:89,524,099-89,524,103 gives the same sequence; the c. name uses the placement nearest the transcript's 3' end. VCF-style (leftmost placement, unchanged base first): chr16-89524098-GCT-G. GRCh37 (hg19) VCF-style: chr16-89590506-GCT-G.
Other names: c.473_474del, p.Leu158fs (NM_001363850.1, NM_199367.3); c.473_474delTC (NM_003119.4); short protein forms L158fs.
Identifiers: ClinVar variation 217272 (VCV000217272.12), dbSNP rs879253798, ClinGen allele CA8243650.

ClinVar aggregate classification (germline): Pathogenic. Review status: criteria provided, multiple submitters, no conflicts (2 of 4 stars). 7 submissions from 7 submitters: Pathogenic (7). Last evaluated 2025-10-13.

Conditions:
Hereditary spastic paraplegia 7 (SPG7). Also called: SPG7-related neurologic disorder; Autosomal recessive spastic paraplegia type 7; SPASTIC PARAPLEGIA 7, AUTOSOMAL RECESSIVE, WITH OR WITHOUT CEREBELLAR ATAXIA; Spastic paraplegia 7; Hereditary spastic paraplegia Paraplegin type. Identifiers: Orphanet 99013, MedGen C1846564, MONDO:0011803, OMIM 607259.

Submissions (7):

Labcorp Genetics (formerly Invitae), Labcorp
Classification: Pathogenic for Hereditary spastic paraplegia 7. Last evaluated: 2025-10-13. Review status: criteria provided, single submitter. Criteria: Invitae Variant Classification Sherloc (09022015). Collection method: clinical testing. Allele origin: germline.
Comment: This sequence change creates a premature translational stop signal (p.Leu158Glnfs*30) in the SPG7 gene. It is expected to result in an absent or disrupted protein product. Loss-of-function variants in SPG7 are known to be pathogenic (PMID: 21623769, 22964162). This variant is present in population databases (rs767471306, gnomAD 0.0009%). This premature translational stop signal has been observed in individual(s) with clinical features of SPG7-related conditions (PMID: 26626314, 33841295). ClinVar contains an entry for this variant (Variation ID: 217272). For these reasons, this variant has been classified as Pathogenic.

Women's Health and Genetics/Laboratory Corporation of America, LabCorp
Classification: Pathogenic for Hereditary spastic paraplegia 7. Last evaluated: 2024-03-01. Review status: criteria provided, single submitter. Criteria: LabCorp Variant Classification Summary - May 2015. Collection method: clinical testing. Allele origin: germline.
Comment: Variant summary: SPG7 c.473_474delTC (p.Leu158GlnfsX30) results in a premature termination codon, predicted to cause a truncation of the encoded protein or absence of the protein due to nonsense mediated decay, which are commonly known mechanisms for disease. The variant allele was found at a frequency of 4e-06 in 251324 control chromosomes. c.473_474delTC has been reported in the literature in at least one individual affected with Hereditary Spastic Paraplegia 7 (e.g. Marelli_2016). To our knowledge, no experimental evidence demonstrating an impact on protein function has been reported. The following publication has been ascertained in the context of this evaluation (PMID: 27528516). ClinVar contains an entry for this variant (Variation ID: 217272). Based on the evidence outlined above, the variant was classified as pathogenic.

PROSPAX: an integrated multimodal progression  chart in spastic ataxias, Center for Neurology; Hertie-Institute for Clinical Brain Research
Classification: Pathogenic for Hereditary spastic paraplegia 7. Last evaluated: 2022-01-01. Review status: criteria provided, single submitter. Criteria: ACMG Guidelines, 2015. Collection method: research. Allele origin: germline. Affected: yes.
Comment: Variant seen in compound het: [c.473_474del;c.988-1G>A]

Genetic Services Laboratory, University of Chicago
Classification: Pathogenic. Last evaluated: 2020-02-17. Review status: criteria provided, single submitter. Criteria: ACMG Guidelines, 2015. Collection method: clinical testing. Allele origin: germline. Affected: yes.
Comment: The sequence change in the SPG7 gene demonstrated a 2 base pair deletion in exon 4, c.473_474del. This sequence change results in an amino acid frameshift and creates a premature stop codon 29 amino acids downstream of the change, p.Leu158Glnfs*30. This sequence change is predicted to result in an abnormal transcript, which may be degraded, or may lead to the production of a truncated SPG7 protein with potentially abnormal function. This particular sequence change has been described in the gnomAD database in one individual which corresponds to a population frequency of 0.00040% (rs879253798). These collective evidences indicate that this sequence change is pathogenic.

Clinical Genetics Service, Universitary Hospital 12 de Octubre
Classification: Pathogenic for Hereditary spastic paraplegia 7. Review status: criteria provided, single submitter. Criteria: ACMG Guidelines, 2015. Collection method: clinical testing. Allele origin: germline. Affected: yes.

Neurogenetics of motion laboratory, Montreal Neurological Institute
Classification: Pathogenic for Spastic paraplegia 7. Review status: criteria provided, single submitter. Criteria: ACMG Guidelines, 2015. Collection method: case-control. Allele origin: germline. Affected: yes. Observed: 1 compound heterozygote. Study: Care4Rare - Neurogenetics of motion laboratory. Segregation with disease observed.

Paris Brain Institute, Inserm - ICM
Classification: Pathogenic for Hereditary spastic paraplegia 7. Review status: criteria provided, single submitter. Criteria: ACMG Guidelines, 2015. Collection method: clinical testing. Allele origin: unknown. Affected: yes. Observed: 2 variant alleles.

Literature cited by the submitters: PubMed 21623769 (cited by Labcorp Genetics (formerly Invitae), Labcorp); PubMed 22964162 (cited by Labcorp Genetics (formerly Invitae), Labcorp); PubMed 26626314 (cited by Labcorp Genetics (formerly Invitae), Labcorp and Neurogenetics of motion laboratory, Montreal Neurological Institute); PubMed 33841295 (cited by Labcorp Genetics (formerly Invitae), Labcorp); PubMed 27528516 (cited by Women's Health and Genetics/Laboratory Corporation of America, LabCorp).